The following is an entry in ClinVar:

NM_000361.3(THBD):c.1497G>A (p.Pro499=)

Gene: THBD (thrombomodulin; minus strand). Cytogenetic location: 20p11.21.
Variant type: single nucleotide variant.
Coding change: c.1497G>A on transcript NM_000361.3 (MANE Select); coding-DNA position 1497, G replaced by A.
Protein change: p.Pro499=; no amino-acid change (proline 499 retained).
Molecular consequence: synonymous variant.
Genome position (GRCh38, 1-based): chr20:23,048,008, C>T on the plus strand (G>A on the coding strand, the complement: THBD is on the minus strand). VCF-style: chr20-23048008-C-T. GRCh37 (hg19) VCF-style: chr20-23028645-C-T.
Identifiers: ClinVar variation 4280342 (VCV004280342.1).
Genomic context (GRCh38, chr20:23,048,008, plus strand): 5'-TATGAGCAAGCCCGAATGCACGAGCCCCACGGCCGGAGGAGTCAAGGTGGAGCCGGGCGT[C>T]GGGCTGGGCGGGGGCTCGCCAGAGCCGCTGTCGCCACCGTCCACCTTGCCGGAGTCACAG-3'
Protein context (NP_000352.1, residues 489-509): DSGSGEPPPS[Pro499=]TPGSTLTPPA

ClinVar aggregate classification (germline): Likely benign (1 of 4 stars; one submission).

Conditions:
Thrombomodulin-related bleeding disorder (THPH12). Also called: Thrombophilia due to thrombomodulin defect. Identifiers: Orphanet 436169, MedGen C3280976, MONDO:0013775, OMIM 614486.

gnomAD v4.1: 2 of 1,608,508 alleles (0.00012%); highest among the groups gnomAD compares: African/African-American, 0.0013%; no homozygotes.

Submission:

Genomenon, Inc
Classification: Likely benign for Thrombomodulin-related bleeding disorder. Last evaluated: 2025-09-22. Review status: criteria provided, single submitter. Criteria: Genomenon Sequence Variant Interpretation Standards - Updated. Collection method: curation. Allele origin: germline. Affected: no.
Comment: THBD p.Pro499= (c.1497G>A) is a synonymous variant that retains Proline at residue 499. This variant has been reported in the published literature (PMID:15842356). This synonymous variant is not predicted to impact splicing and does not affect a conserved nucleotide. It is absent or not present at a significant frequency in gnomAD. In conclusion, we classify THBD p.Pro499= (c.1497G>A) as a likely benign variant.

Literature cited by the submitters: PubMed 15842356.